The following is an entry in ClinVar:

NM_001374736.1(DST):c.11736T>C (p.Ala3912=)

Gene: DST (dystonin; minus strand). Cytogenetic location: 6p12.1.
Variant type: single nucleotide variant.
Coding change: c.11736T>C on transcript NM_001374736.1 (MANE Select); coding-DNA position 11736, T replaced by C.
Protein change: p.Ala3912=; no amino-acid change (alanine 3912 retained).
Molecular consequence: synonymous variant.
Genome position (GRCh38, 1-based): chr6:56,598,668, A>G on the plus strand (T>C on the coding strand, the complement: DST is on the minus strand). VCF-style: chr6-56598668-A-G. GRCh37 (hg19) VCF-style: chr6-56463466-A-G.
Other names: c.5379T>C (NM_001144769.2); c.5379T>C, p.Ala1793= (NM_001144769.5); c.4965T>C, p.Ala1655= (NM_001144770.2); c.11736T>C, p.Ala3912= (NM_001374722.1); c.11103T>C, p.Ala3701= (NM_001374729.1); c.4845T>C, p.Ala1615= (NM_001374730.1, NM_001386100.1, NM_183380.4); c.11763T>C, p.Ala3921= (NM_001374734.1); c.3867T>C, p.Ala1289= (NM_015548.5).
Identifiers: ClinVar variation 1672589 (VCV001672589.10), dbSNP rs775702098, ClinGen allele CA3868580.
Genomic context (GRCh38, chr6:56,598,668, plus strand): 5'-TTCCTGTGACAGCTTTTCACCATTCTCTTTTAAGAAGTTCTCTGTGTTTTTCACTACTTC[A>G]GCCAATGCCTGTGCACTTCCTTGCATATCTTTCTGTAATTCCTTATAACACAAAAGGAAA-3'
Protein context (NP_001361665.1, residues 3902-3922): KDMQGSAQAL[Ala3912=]EVVKNTENFL

ClinVar aggregate classification (germline): Likely benign. Review status: criteria provided, single submitter (1 of 4 stars). 2 submissions from 2 submitters: Likely benign (1). 1 of the submissions does not count toward it. Last evaluated 2024-09-11.

Conditions:
DST-related disorder. Also called: DST-related disorders; DST-related condition.
Hereditary sensory and autonomic neuropathy type 6. Also called: HSAN VI; Neuropathy, hereditary sensory and autonomic, type VI. Identifiers: Orphanet 314381, MedGen C3539003, MONDO:0013839, OMIM 614653.
Epidermolysis bullosa simplex 3, localized or generalized intermediate, with BP230 deficiency (EBS3). Also called: Epidermolysis bullosa simplex due to BP230 deficiency; Epidermolysis bullosa simplex, autosomal recessive 2. Identifiers: Orphanet 412181, MedGen C3809470, MONDO:0014180, OMIM 615425.

Allele frequency attached by ClinVar (database versions not stated): gnomAD exomes 0.00001 and 0.00002; ExAC 0.00003; gnomAD 0.00011 and 0.00013; TOPMed 0.00015.
gnomAD v4.1: 32 of 1,609,872 alleles (0.002%); highest among the groups gnomAD compares: African/African-American, 0.043%; no homozygotes.

Submissions (2):

Labcorp Genetics (formerly Invitae), Labcorp
Classification: Likely benign for Epidermolysis bullosa simplex 3, localized or generalized intermediate, with BP230 deficiency; Hereditary sensory and autonomic neuropathy type 6. Last evaluated: 2024-09-11. Review status: criteria provided, single submitter. Criteria: Invitae Variant Classification Sherloc (09022015). Collection method: clinical testing. Allele origin: germline.

PreventionGenetics, part of Exact Sciences
Classification: Likely benign for DST-related condition. Last evaluated: 2019-12-23. Review status: no assertion criteria provided. Collection method: clinical testing. Allele origin: germline. Not counted in ClinVar's aggregate classification.
Comment: This variant is classified as likely benign based on ACMG/AMP sequence variant interpretation guidelines (Richards et al. 2015 PMID: 25741868, with internal and published modifications).